The following is an entry in ClinVar:

ClinVar aggregate classification (germline): Benign (0 of 4 stars; one submission).

Conditions:
SNRPE-related disorder. Also called: SNRPE-related condition.

Allele frequency attached by ClinVar (database versions not stated): gnomAD exomes 0.00005; gnomAD 0.00008; TOPMed 0.00019.
gnomAD v4.1: 33 of 612,848 alleles (0.0054%); highest among the groups gnomAD compares: Admixed American, 0.095%; no homozygotes.

Submission:

PreventionGenetics, part of Exact Sciences
Classification: Benign for SNRPE-related condition. Last evaluated: 2019-07-15. Review status: no assertion criteria provided. Collection method: clinical testing. Allele origin: germline.
Comment: This variant is classified as benign based on ACMG/AMP sequence variant interpretation guidelines (Richards et al. 2015 PMID: 25741868, with internal and published modifications).

NM_003094.4(SNRPE):c.54+223A>G

Gene: SNRPE (small nuclear ribonucleoprotein polypeptide E; plus strand). Cytogenetic location: 1q32.1.
Variant type: single nucleotide variant.
Coding change: c.54+223A>G on transcript NM_003094.4 (MANE Select); 223 bases into the intron after coding-DNA position 54, A replaced by G.
Molecular consequence: intron variant. On other transcripts: synonymous variant (1), missense variant (1).
Genome position (GRCh38, 1-based): chr1:203,861,936, A>G. VCF-style: chr1-203861936-A-G. GRCh37 (hg19) VCF-style: chr1-203831064-A-G.
Other names: c.15A>G, p.Lys5= (NM_001328637.2); c.23A>G, p.Lys8Arg (NM_001328638.2); c.16+193A>G (NM_001304464.2); short protein forms K8R.
Identifiers: ClinVar variation 3049523 (VCV003049523.2), dbSNP rs879398581, ClinGen allele CA35738168.